The following is an entry in ClinVar:

NM_004656.4(BAP1):c.43_44del (p.Phe15fs)

Gene: BAP1 (BRCA1 associated deubiquitinase 1; minus strand). Cytogenetic location: 3p21.1.
Variant type: Deletion.
Coding change: c.43_44del on transcript NM_004656.4 (MANE Select); coding-DNA positions 43 to 44, 2 bases deleted (TT; older notation c.43_44delTT).
Protein change: p.Phe15fs; shifts the reading frame from phenylalanine 15.
Molecular consequence: frameshift variant.
Genome position (GRCh38, 1-based): chr3:52,409,737-52,409,738, AA deleted on the plus strand (TT on the coding strand, the reverse complement: BAP1 is on the minus strand). VCF-style (leftmost placement, unchanged base first): chr3-52409736-GAA-G. GRCh37 (hg19) VCF-style: chr3-52443752-GAA-G.
Other names: c.43_44del, p.Phe15fs (NM_001410772.1); short protein forms F15fs.
Identifiers: ClinVar variation 4826573 (VCV004826573.1).

ClinVar aggregate classification (germline): Pathogenic (1 of 4 stars; one submission).

Conditions:
Hereditary cancer-predisposing syndrome. Also called: Neoplastic Syndromes, Hereditary; Tumor predisposition; Hereditary Cancer Syndrome; Hereditary neoplastic syndrome. Identifiers: Orphanet 140162, MedGen C0027672, MeSH D009386, MONDO:0015356.

Submission:

Ambry Genetics
Classification: Pathogenic for Hereditary cancer-predisposing syndrome. Last evaluated: 2026-03-02. Review status: criteria provided, single submitter. Criteria: Ambry Variant Classification Scheme 2023. Collection method: clinical testing. Allele origin: germline.
Comment: The c.43_44delTT pathogenic mutation, located in coding exon 2 of the BAP1 gene, results from a deletion of two nucleotides at nucleotide positions 43 to 44, causing a translational frameshift with a predicted alternate stop codon (p.F15Hfs*53). This variant is considered to be rare based on population cohorts in the Genome Aggregation Database (gnomAD). This variant was reported in individual(s) with features consistent with BAP1-related tumor predisposition syndrome (Ambry internal data). This alteration is expected to result in loss of function by premature protein truncation or nonsense-mediated mRNA decay. As such, this alteration is interpreted as a disease-causing mutation.